The following is an entry in ClinVar:

ClinVar aggregate classification (germline): Uncertain significance. Review status: criteria provided, multiple submitters, no conflicts (2 of 4 stars). 3 submissions from 3 submitters: Uncertain significance (2). 1 of the submissions does not count toward it. Last evaluated 2021-05-29.

Conditions:
KIDINS220-related disorder. Also called: KIDINS220-related condition.
Spastic paraplegia, intellectual disability, nystagmus, and obesity. Also called: Spastic paraplegia, intellectual disability, nystagmus, and obesity;. Identifiers: Orphanet 521390, MedGen C4284592, MONDO:0015007, OMIM 617296.

Allele frequency attached by ClinVar (database versions not stated): gnomAD 0.00003; gnomAD exomes 0.00004 and 0.00006; TOPMed 0.00005; ExAC 0.00008; ESP Exome Variant Server 0.00017.
gnomAD v4.1: 63 of 1,591,488 alleles (0.004%); highest among the groups gnomAD compares: South Asian, 0.021%; no homozygotes.

Submissions (3):

Labcorp Genetics (formerly Invitae), Labcorp
Classification: Uncertain significance. Last evaluated: 2021-05-29. Review status: criteria provided, single submitter. Criteria: Invitae Variant Classification Sherloc (09022015). Collection method: clinical testing. Allele origin: germline.
Comment: In summary, the available evidence is currently insufficient to determine the role of this variant in disease. Therefore, it has been classified as a Variant of Uncertain Significance. Algorithms developed to predict the effect of missense changes on protein structure and function are either unavailable or do not agree on the potential impact of this missense change (SIFT: "Deleterious"; PolyPhen-2: "Probably Damaging"; Align-GVGD: "Class C0"). This variant has not been reported in the literature in individuals with KIDINS220-related conditions. ClinVar contains an entry for this variant (Variation ID: 587468). This variant is present in population databases (rs368435770, ExAC 0.03%). This sequence change replaces arginine with histidine at codon 100 of the KIDINS220 protein (p.Arg100His). The arginine residue is highly conserved and there is a small physicochemical difference between arginine and histidine.

Genomic Research Center, Shahid Beheshti University of Medical Sciences
Classification: Uncertain significance for Spastic paraplegia, intellectual disability, nystagmus, and obesity. Last evaluated: 2018-08-07. Review status: criteria provided, single submitter. Criteria: ACMG Guidelines, 2015. Collection method: clinical testing. Allele origin: inherited. Affected: yes. Observed: 1 variant allele.

PreventionGenetics, part of Exact Sciences
Classification: Uncertain significance for KIDINS220-related condition. Last evaluated: 2024-06-25. Review status: no assertion criteria provided. Collection method: clinical testing. Allele origin: germline. Not counted in ClinVar's aggregate classification.
Comment: The KIDINS220 c.299G>A variant is predicted to result in the amino acid substitution p.Arg100His. To our knowledge, this variant has not been reported in the literature. This variant is reported in 0.024% of alleles in individuals of South Asian descent in gnomAD. At this time, the clinical significance of this variant is uncertain due to the absence of conclusive functional and genetic evidence.

NM_020738.4(KIDINS220):c.299G>A (p.Arg100His)

Gene: KIDINS220 (kinase D interacting substrate 220; minus strand). Cytogenetic location: 2p25.1.
Variant type: single nucleotide variant.
Coding change: c.299G>A on transcript NM_020738.4 (MANE Select); coding-DNA position 299, G replaced by A.
Protein change: p.Arg100His; replaces arginine 100 with histidine.
Molecular consequence: missense variant. On other transcripts: non-coding transcript variant (2).
Genome position (GRCh38, 1-based): chr2:8,817,625, C>T on the plus strand (G>A on the coding strand, the complement: KIDINS220 is on the minus strand). VCF-style: chr2-8817625-C-T. GRCh37 (hg19) VCF-style: chr2-8957755-C-T.
Other names: c.299G>A, p.Arg100His (NM_001348729.2, NM_001348731.2, NM_001348732.2 and 9 more transcripts); c.173G>A, p.Arg58His (NM_001348736.2); c.299G>A (NM_020738.2); short protein forms R100H, R58H.
Identifiers: ClinVar variation 587468 (VCV000587468.13), dbSNP rs368435770, ClinGen allele CA1520471.